The following is an entry in ClinVar:

NM_000812.4(GABRB1):c.1283G>A (p.Arg428His)

Gene: GABRB1 (gamma-aminobutyric acid type A receptor subunit beta1; plus strand). Cytogenetic location: 4p12.
Variant type: single nucleotide variant.
Coding change: c.1283G>A on transcript NM_000812.4 (MANE Select); coding-DNA position 1283, G replaced by A.
Protein change: p.Arg428His; replaces arginine 428 with histidine.
Molecular consequence: missense variant.
Genome position (GRCh38, 1-based): chr4:47,425,876, G>A. VCF-style: chr4-47425876-G-A. GRCh37 (hg19) VCF-style: chr4-47427893-G-A.
Other names: c.1283G>A (NM_000812.3); short protein forms R428H.
Identifiers: ClinVar variation 2996118 (VCV002996118.4), dbSNP rs540688967, ClinGen allele CA2907799.
Genomic context (GRCh38, chr4:47,425,876, plus strand): 5'-TGAGCAGCCGCGAGGCCTACGGGCGCGCCCTGGACCGGCACGGGGTACCCAGCAAGGGGC[G>A]CATCCGCAGGCGTGCCTCCCAGCTCAAAGTCAAGATCCCCGACTTGACTGATGTGAATTC-3'
Protein context (NP_000803.2, residues 418-438): LDRHGVPSKG[Arg428His]IRRRASQLKV

ClinVar aggregate classification (germline): Uncertain significance. Review status: criteria provided, multiple submitters, no conflicts (2 of 4 stars). 2 submissions from 2 submitters: Uncertain significance (2). Last evaluated 2025-12-16.

Allele frequency attached by ClinVar (database versions not stated): ExAC 0.00003; gnomAD 0.00003; gnomAD exomes 0.00004; TOPMed 0.00001.
gnomAD v4.1: 65 of 1,613,964 alleles (0.004%); highest among the groups gnomAD compares: Non-Finnish European, 0.0051%; no homozygotes.

Submissions (2):

Labcorp Genetics (formerly Invitae), Labcorp
Classification: Uncertain significance. Last evaluated: 2025-12-16. Review status: criteria provided, single submitter. Criteria: Invitae Variant Classification Sherloc (09022015). Collection method: clinical testing. Allele origin: germline.
Comment: This sequence change replaces arginine, which is basic and polar, with histidine, which is basic and polar, at codon 428 of the GABRB1 protein (p.Arg428His). This variant is present in population databases (rs540688967, gnomAD 0.008%). This variant has not been reported in the literature in individuals affected with GABRB1-related conditions. ClinVar contains an entry for this variant (Variation ID: 2996118). Invitae Evidence Modeling of protein sequence and biophysical properties (such as structural, functional, and spatial information, amino acid conservation, physicochemical variation, residue mobility, and thermodynamic stability) indicates that this missense variant is not expected to disrupt GABRB1 protein function with a negative predictive value of 95%. In summary, the available evidence is currently insufficient to determine the role of this variant in disease. Therefore, it has been classified as a Variant of Uncertain Significance.

Ambry Genetics
Classification: Uncertain significance. Last evaluated: 2025-07-14. Review status: criteria provided, single submitter. Criteria: Ambry Variant Classification Scheme 2023. Collection method: clinical testing. Allele origin: germline.